The following is an entry in ClinVar:

ClinVar aggregate classification (germline): Uncertain significance (1 of 4 stars; one submission).

Conditions:
Epilepsy, early-onset, with or without developmental delay. Identifiers: MedGen C5882670, MONDO:0030005, OMIM 618832.
Neurodevelopmental disorder with speech impairment and dysmorphic facies. Identifiers: MedGen C5436699, MONDO:0033630, OMIM 619056.

Allele frequency attached by ClinVar (database versions not stated): TOPMed below 0.00001; gnomAD 0.00001.

Submission:

New York Genome Center
Classification: Uncertain significance for Epilepsy, early-onset, with or without developmental delay; Neurodevelopmental disorder with speech impairment and dysmorphic facies. Last evaluated: 2021-04-02. Review status: criteria provided, single submitter. Criteria: NYGC Assertion Criteria 2020. Collection method: clinical testing. Allele origin: inherited. Observed: 1 heterozygote. Study: CSER-NYCKidSeq.
Comment: The inherited heterozygous c.667G>C (p.Asp223His) variant identified in the SETD1A gene has not been reported in affected individuals in the literature. The variant has 0.000006577 allele frequency in the gnomAD(v3) database (1 out of 152,056 heterozygous alleles, no homozygotes)suggesting it is not a common benign variant in the populations represented in that database. In silico tools provide conflicting predictions about potential pathogenicity of this variant [REVEL score = 0.399, CADD score = 24.5]. Based on the available evidence, the inherited heterozygous c.667G>C (p.Asp223His) variant identified in the SETD1A gene is reported as a variant of uncertain significance.

NM_014712.3(SETD1A):c.667G>C (p.Asp223His)

Gene: SETD1A (SET domain containing 1A, histone lysine methyltransferase; plus strand). Cytogenetic location: 16p11.2.
Variant type: single nucleotide variant.
Coding change: c.667G>C on transcript NM_014712.3 (MANE Select); coding-DNA position 667, G replaced by C.
Protein change: p.Asp223His; replaces aspartic acid 223 with histidine.
Molecular consequence: missense variant.
Genome position (GRCh38, 1-based): chr16:30,964,121, G>C. VCF-style: chr16-30964121-G-C. GRCh37 (hg19) VCF-style: chr16-30975442-G-C.
Other names: short protein forms D223H.
Identifiers: ClinVar variation 1342473 (VCV001342473.2), dbSNP rs550270592, ClinGen allele CA395650338.
Genomic context (GRCh38, chr16:30,964,121, plus strand): 5'-TTCCTCTCTCCTTGCCCTGCTCTGTCGCTCTAGGCCGAATCCCGCCGCCGCTCTTCCTCT[G>C]ACACAGCTGCCTACCCAGCAGGCACCACTGCGGTGGGCACTCCTGGCAACGGCACCCCCT-3'
Protein context (NP_055527.1, residues 213-233): TAESRRRSSS[Asp223His]TAAYPAGTTA